The following is an entry in ClinVar:

NM_000288.4(PEX7):c.330C>T (p.His110=)

Gene: PEX7 (peroxisomal biogenesis factor 7; plus strand). Cytogenetic location: 6q23.3.
Variant type: single nucleotide variant.
Coding change: c.330C>T on transcript NM_000288.4 (MANE Select); coding-DNA position 330, C replaced by T.
Protein change: p.His110=; no amino-acid change (histidine 110 retained).
Molecular consequence: synonymous variant.
Genome position (GRCh38, 1-based): chr6:136,826,460, C>T. VCF-style: chr6-136826460-C-T. GRCh37 (hg19) VCF-style: chr6-137147598-C-T.
Identifiers: ClinVar variation 290908 (VCV000290908.20), dbSNP rs199648976, ClinGen allele CA4017551.
Genomic context (GRCh38, chr6:136,826,460, plus strand): 5'-CTCGCTGCAGCTCTGGGACACTGCCAAAGCTGCAGGGCCACTGCAAGTCTATAAAGAACA[C>T]GCTCAGGAGGTAGGAGGGAAATCTTTCTGGGCTGATTATTTTTCTTTCTTCGACTTTGGT-3'
Protein context (NP_000279.1, residues 100-120): AAGPLQVYKE[His110=]AQEVYSVDWS

ClinVar aggregate classification (germline): Conflicting classifications of pathogenicity. Review status: criteria provided, conflicting classifications (1 of 4 stars). 6 submissions from 6 submitters: Uncertain significance (1); Likely benign (3). 2 of the submissions do not count toward it. Last evaluated 2026-01-23.

Conditions:
Inborn genetic diseases. Identifiers: MedGen C0950123, MeSH D030342.
Peroxisome biogenesis disorder 9B. Also called: PEX7-Related Refsum Disease; PEROXISOME BIOGENESIS DISORDER, PEX7-RELATED, ATYPICAL; Refsum disease, adult, 2. Identifiers: Orphanet 773, MedGen C2749346, MONDO:0013945, OMIM 614879.
PEX7-related disorder. Also called: PEX7-related disorders; PEX7-related condition. Identifiers: MedGen CN239409.
Rhizomelic chondrodysplasia punctata type 1 (RCDP1). Also called: PEROXISOME BIOGENESIS DISORDER 9; PEX7-Related Rhizomelic Chondrodysplasia Punctata; CHONDRODYSTROPHIA CALCIFICANS PUNCTATA. Identifiers: Orphanet 177, Orphanet 309789, MedGen C1859133, MONDO:0008972, OMIM 215100. Disease mechanism: loss of function.

Allele frequency attached by ClinVar (database versions not stated): TOPMed 0.00014; 1000 Genomes Project 30x 0.00016; 1000 Genomes Project 0.00020; ESP Exome Variant Server 0.00038.
gnomAD v4.1: 182 of 1,613,944 alleles (0.011%); highest among the groups gnomAD compares: Middle Eastern, 0.016%; 1 homozygote.

Submissions (6):

Labcorp Genetics (formerly Invitae), Labcorp
Classification: Likely benign for Peroxisome biogenesis disorder 9B. Last evaluated: 2026-01-23. Review status: criteria provided, single submitter. Criteria: Invitae Variant Classification Sherloc (09022015). Collection method: clinical testing. Allele origin: germline.

Ambry Genetics
Classification: Likely benign for Inborn genetic diseases. Last evaluated: 2025-05-25. Review status: criteria provided, single submitter. Criteria: Ambry Variant Classification Scheme 2023. Collection method: clinical testing. Allele origin: germline.

Blueprint Genetics
Classification: Likely benign. Last evaluated: 2024-08-22. Review status: criteria provided, single submitter. Criteria: ACMG Guidelines, 2015. Collection method: clinical testing. Allele origin: germline.

Eurofins Ntd Llc (ga)
Classification: Uncertain significance. Last evaluated: 2018-05-22. Review status: criteria provided, single submitter. Criteria: EGL ClinVar v180209 classification definitions. Collection method: clinical testing. Allele origin: germline. Observed: 2 variant alleles, 2 heterozygotes.

Natera, Inc.
Classification: Uncertain significance for Rhizomelic chondrodysplasia punctata type 1. Last evaluated: 2020-01-17. Review status: no assertion criteria provided. Collection method: clinical testing. Allele origin: germline. Not counted in ClinVar's aggregate classification.

PreventionGenetics, part of Exact Sciences
Classification: Likely benign for PEX7-related condition. Last evaluated: 2019-07-24. Review status: no assertion criteria provided. Collection method: clinical testing. Allele origin: germline. Not counted in ClinVar's aggregate classification.
Comment: This variant is classified as likely benign based on ACMG/AMP sequence variant interpretation guidelines (Richards et al. 2015 PMID: 25741868, with internal and published modifications).